The following is an entry in ClinVar:

NM_001754.5(RUNX1):c.104G>A (p.Ser35Asn)

Gene: RUNX1 (RUNX family transcription factor 1; minus strand). Cytogenetic location: 21q22.12.
Variant type: single nucleotide variant.
Coding change: c.104G>A on transcript NM_001754.5 (MANE Select); coding-DNA position 104, G replaced by A.
Protein change: p.Ser35Asn; replaces serine 35 with asparagine.
Molecular consequence: missense variant.
Genome position (GRCh38, 1-based): chr21:34,887,090, C>T on the plus strand (G>A on the coding strand, the complement: RUNX1 is on the minus strand). VCF-style: chr21-34887090-C-T. GRCh37 (hg19) VCF-style: chr21-36259387-C-T.
Other names: NM_001754.5(RUNX1):c.104G>A; p.Ser35Asn; c.23G>A, p.Ser8Asn (NM_001001890.3, NM_001122607.2); short protein forms S35N, S8N.
Identifiers: ClinVar variation 579777 (VCV000579777.9), dbSNP rs1569084822, ClinGen allele CA410204312.

ClinVar aggregate classification (germline): Uncertain significance. Review status: reviewed by expert panel (3 of 4 stars). 2 submissions from 2 submitters: Uncertain significance (1). 1 of the submissions does not count toward it. Last evaluated 2024-08-12.

Conditions:
Hereditary thrombocytopenia and hematologic cancer predisposition syndrome. Identifiers: Orphanet 71290, MedGen CN281654, MONDO:0011071.
Hereditary thrombocytopenia and hematological cancer predisposition syndrome associated with RUNX1. Also called: Familial Platelet Disorder with Propensity to Acute Myelogenous Leukemia; Familial thrombocytopenia with propensity to acute myelogenous leukemia; PLATELET DISORDER, ASPIRIN-LIKE; RUNX1 Familial Platelet Disorder with Associated Myeloid Malignancies. Identifiers: Orphanet 71290, MedGen C1832388, MeSH C563324, MONDO:0100083, OMIM 601399.

Submissions (2):

ClinGen Myeloid Malignancy Variant Curation Expert Panel
Classification: Uncertain significance for Hereditary thrombocytopenia and hematologic cancer predisposition syndrome. Last evaluated: 2024-08-12. Review status: reviewed by expert panel. Criteria: ClinGen MyeloMalig ACMG Specifications v2. Collection method: curation. Allele origin: germline. Inheritance: Autosomal dominant inheritance.
Comment: NM_001754.5(RUNX1):c.104G>A (p.Ser35Asn) is a missense variant which has a REVEL score ≤ 0.50 (0.398) and a SpliceAI score ≤ 0.30 (0.06, 6 bp acceptor gain) (BP4). This variant is completely absent from all population databases with at least 20x coverage for RUNX1 (PM2_Supporting). In summary, the clinical significance of this variant is uncertain. ACMG/AMP criteria applied, as specified by the Myeloid Malignancy Variant Curation Expert Panel for RUNX1: BP4 and PM2_Supporting.

Labcorp Genetics (formerly Invitae), Labcorp
Classification: Uncertain significance for Hereditary thrombocytopenia and hematological cancer predisposition syndrome associated with RUNX1. Last evaluated: 2020-01-08. Review status: criteria provided, single submitter. Criteria: Invitae Variant Classification Sherloc (09022015). Collection method: clinical testing. Allele origin: germline. Not counted in ClinVar's aggregate classification.
Comment: In summary, the available evidence is currently insufficient to determine the role of this variant in disease. Therefore, it has been classified as a Variant of Uncertain Significance. Algorithms developed to predict the effect of missense changes on protein structure and function (SIFT, PolyPhen-2, Align-GVGD) all suggest that this variant is likely to be tolerated, but these predictions have not been confirmed by published functional studies and their clinical significance is uncertain. This variant has not been reported in the literature in individuals with RUNX1-related disease. This variant is not present in population databases (ExAC no frequency). This sequence change replaces serine with asparagine at codon 35 of the RUNX1 protein (p.Ser35Asn). The serine residue is moderately conserved and there is a small physicochemical difference between serine and asparagine.